The following is an entry in ClinVar:

ClinVar aggregate classification (germline): Conflicting classifications of pathogenicity. Review status: criteria provided, conflicting classifications (1 of 4 stars). 8 submissions from 8 submitters: Uncertain significance (1); Likely benign (5). 2 of the submissions do not count toward it. Last evaluated 2026-01-19.

Conditions:
MUTYH-related disorder. Also called: MUTYH-related condition; MUTYH-related disorders.
Hereditary cancer-predisposing syndrome. Also called: Tumor predisposition; Neoplastic Syndromes, Hereditary; Hereditary neoplastic syndrome; Hereditary Cancer Syndrome. Identifiers: Orphanet 140162, MedGen C0027672, MeSH D009386, MONDO:0015356.
Familial adenomatous polyposis 2. Also called: MYH-associated polyposis; FAP type 2; MUTYH-related attenuated familial adenomatous polyposis; MUTYH-associated polyposis; MUTYH Polyposis; Adenomas, multiple colorectal. Identifiers: Orphanet 220460, Orphanet 247798, MedGen C3272841, MONDO:0012041, OMIM 608456.

Allele frequency attached by ClinVar (database versions not stated): gnomAD exomes below 0.00001 and 0.00001; gnomAD 0.00001; TOPMed 0.00001.
gnomAD v4.1: 12 of 1,614,006 alleles (0.00074%); highest among the groups gnomAD compares: South Asian, 0.0011%; no homozygotes.

Submissions (8):

Labcorp Genetics (formerly Invitae), Labcorp
Classification: Likely benign for Familial adenomatous polyposis 2. Last evaluated: 2026-01-19. Review status: criteria provided, single submitter. Criteria: Invitae Variant Classification Sherloc (09022015). Collection method: clinical testing. Allele origin: germline.

Quest Diagnostics Nichols Institute San Juan Capistrano
Classification: Uncertain significance. Last evaluated: 2025-06-04. Review status: criteria provided, single submitter. Criteria: Quest Diagnostics criteria. Collection method: clinical testing. Allele origin: unknown.
Comment: The MUTYH c.642C>T (p.Gly214=) variant has not been reported in individuals with MUTYH-related conditions in the published literature. The frequency of this variant in the general population (Genome Aggregation Database) is uninformative in the assessment of its pathogenicity. Analysis of this variant using software algorithms for the prediction of the effect of nucleotide changes on MUTYH mRNA splicing yielded predictions that this variant may result in the gain of a cryptic splice site without affecting the natural splice sites. Based on the available information, we are unable to determine the clinical significance of this variant.

All of Us Research Program, National Institutes of Health
Classification: Likely benign for Familial adenomatous polyposis 2. Last evaluated: 2024-07-29. Review status: criteria provided, single submitter. Criteria: ACMG Guidelines, 2015. Collection method: clinical testing. Allele origin: germline. Inheritance: Autosomal recessive inheritance. Observed: 1 variant allele, 1 heterozygote.
Comment: This study involves interpretation of variants in research participants for the purpose of population health screening. Participant phenotype was not available at the time of variant classification. Additional details can be found in publication PMID: 35346344, PMCID: PMC8962531

Color Diagnostics, LLC DBA Color Health
Classification: Likely benign for Hereditary cancer-predisposing syndrome. Last evaluated: 2017-09-28. Review status: criteria provided, single submitter. Criteria: ACMG Guidelines, 2015. Collection method: clinical testing. Allele origin: germline.

GeneDx
Classification: Likely benign. Last evaluated: 2017-01-03. Review status: criteria provided, single submitter. Criteria: GeneDx Variant Classification (06012015). Collection method: clinical testing. Allele origin: germline. Affected: yes.
Comment: This variant is considered likely benign or benign based on one or more of the following criteria: it is a conservative change, it occurs at a poorly conserved position in the protein, it is predicted to be benign by multiple in silico algorithms, and/or has population frequency not consistent with disease.

Ambry Genetics
Classification: Likely benign for Hereditary cancer-predisposing syndrome. Last evaluated: 2015-11-25. Review status: criteria provided, single submitter. Criteria: Ambry Variant Classification Scheme 2023. Collection method: clinical testing. Allele origin: germline.

PreventionGenetics, part of Exact Sciences
Classification: Likely benign for MUTYH-related condition. Last evaluated: 2020-02-20. Review status: no assertion criteria provided. Collection method: clinical testing. Allele origin: germline. Not counted in ClinVar's aggregate classification.
Comment: This variant is classified as likely benign based on ACMG/AMP sequence variant interpretation guidelines (Richards et al. 2015 PMID: 25741868, with internal and published modifications).

True Health Diagnostics
Classification: Likely benign for Hereditary cancer-predisposing syndrome. Last evaluated: 2018-07-16. Review status: no assertion criteria provided. Collection method: clinical testing. Allele origin: germline. Not counted in ClinVar's aggregate classification.

Literature cited by the submitters: PubMed 36243179 (cited by Quest Diagnostics Nichols Institute San Juan Capistrano).

NM_001048174.2(MUTYH):c.558C>T (p.Gly186=)

Gene: MUTYH (mutY DNA glycosylase; minus strand). Cytogenetic location: 1p34.1.
Variant type: single nucleotide variant.
Coding change: c.558C>T on transcript NM_001048174.2 (MANE Select); coding-DNA position 558, C replaced by T.
Protein change: p.Gly186=; no amino-acid change (glycine 186 retained).
Molecular consequence: synonymous variant. On other transcripts: non-coding transcript variant (2).
Genome position (GRCh38, 1-based): chr1:45,332,622, G>A on the plus strand (C>T on the coding strand, the complement: MUTYH is on the minus strand). VCF-style: chr1-45332622-G-A. GRCh37 (hg19) VCF-style: chr1-45798294-G-A.
Other names: c.558C>T, p.Gly186= (NM_001048171.2, NM_001048173.2, NM_001293195.2); c.561C>T, p.Gly187= (NM_001048172.2); c.642C>T, p.Gly214= (NM_001128425.2); c.603C>T, p.Gly201= (NM_001293190.2); c.591C>T, p.Gly197= (NM_001293191.2); c.282C>T, p.Gly94= (NM_001293192.2, NM_001293196.2); c.213C>T, p.Gly71= (NM_001350650.2, NM_001350651.2); c.633C>T, p.Gly211= (NM_012222.3).
Identifiers: ClinVar variation 392475 (VCV000392475.19), dbSNP rs1057524506, ClinGen allele CA16603737.
Genomic context (GRCh38, chr1:45,332,622, plus strand): 5'-CTGTGAGATCACCTGGCCAAAGGCGATAGAGGCAATGGCCCCAGCTGTGTAGCGCCCCAC[G>A]CCAGGCAGGAGCTGCTGCAGGGTCTCTGCTGTACGTGGCATGTGGCCCCCTAGCTCCTCT-3'
Protein context (NP_001041639.1, residues 176-196): TAETLQQLLP[Gly186=]VGRYTAGAIA